The following is an entry in ClinVar:

ClinVar aggregate classification (germline): Conflicting classifications of pathogenicity. Review status: criteria provided, conflicting classifications (1 of 4 stars). 3 submissions from 3 submitters: Uncertain significance (2); Likely benign (1). Last evaluated 2025-11-06.

Conditions:
Microphthalmia with brain and digit anomalies (MCOPS6). Also called: Microphthalmia, syndromic 6; MICROPHTHALMIA AND PITUITARY ANOMALIES. Identifiers: Orphanet 139471, MedGen C1864689, MONDO:0011936, OMIM 607932.
Orofacial cleft 11 (OFC11). Also called: Orofacial cleft 11; ofc11; CLEFT LIP WITH OR WITHOUT CLEFT PALATE, NONSYNDROMIC, 11. Identifiers: MedGen C2677434, MONDO:0010906, OMIM 600625.

Allele frequency attached by ClinVar (database versions not stated): gnomAD exomes 0.00003 and 0.00006; ExAC 0.00004; gnomAD 0.00004; 1000 Genomes Project 30x 0.00016; 1000 Genomes Project 0.00020.

Submissions (3):

Labcorp Genetics (formerly Invitae), Labcorp
Classification: Uncertain significance for Microphthalmia with brain and digit anomalies; Orofacial cleft 11. Last evaluated: 2025-11-06. Review status: criteria provided, single submitter. Criteria: Invitae Variant Classification Sherloc (09022015). Collection method: clinical testing. Allele origin: germline.
Comment: This sequence change replaces arginine, which is basic and polar, with glutamine, which is neutral and polar, at codon 226 of the BMP4 protein (p.Arg226Gln). This variant is present in population databases (rs538330477, gnomAD 0.03%), and has an allele count higher than expected for a pathogenic variant. This variant has not been reported in the literature in individuals affected with BMP4-related conditions. ClinVar contains an entry for this variant (Variation ID: 1195040). Invitae Evidence Modeling of protein sequence and biophysical properties (such as structural, functional, and spatial information, amino acid conservation, physicochemical variation, residue mobility, and thermodynamic stability) indicates that this missense variant is not expected to disrupt BMP4 protein function with a negative predictive value of 80%. In summary, the available evidence is currently insufficient to determine the role of this variant in disease. Therefore, it has been classified as a Variant of Uncertain Significance.

Fulgent Genetics
Classification: Uncertain significance for Orofacial cleft 11; Microphthalmia with brain and digit anomalies. Last evaluated: 2024-05-30. Review status: criteria provided, single submitter. Criteria: ACMG Guidelines, 2015. Collection method: clinical testing. Allele origin: germline.

GeneDx
Classification: Likely benign. Last evaluated: 2019-05-16. Review status: criteria provided, single submitter. Criteria: GeneDx Variant Classification Process June 2021. Collection method: clinical testing. Allele origin: germline. Affected: yes.
Comment: In silico analysis, which includes protein predictors and evolutionary conservation, supports that this variant does not alter protein structure/function; This variant is associated with the following publications: (PMID: 31063268)

NM_001202.6(BMP4):c.677G>A (p.Arg226Gln)

Gene: BMP4 (bone morphogenetic protein 4; minus strand). Cytogenetic location: 14q22.2.
Variant type: single nucleotide variant.
Coding change: c.677G>A on transcript NM_001202.6 (MANE Select); coding-DNA position 677, G replaced by A.
Protein change: p.Arg226Gln; replaces arginine 226 with glutamine.
Molecular consequence: missense variant.
Genome position (GRCh38, 1-based): chr14:53,950,582, C>T on the plus strand (G>A on the coding strand, the complement: BMP4 is on the minus strand). VCF-style: chr14-53950582-C-T. GRCh37 (hg19) VCF-style: chr14-54417300-C-T.
Other names: c.818G>A, p.Arg273Gln (NM_001347912.1); c.488G>A, p.Arg163Gln (NM_001347913.2, NM_001347915.2, NM_001347917.1); c.677G>A, p.Arg226Gln (NM_001347914.2, NM_001347916.1, NM_130850.5 and 1 more transcripts); short protein forms R163Q, R226Q, R273Q.
Identifiers: ClinVar variation 1195040 (VCV001195040.8), dbSNP rs538330477, ClinGen allele CA7191690.